The following is an entry in ClinVar:

NM_024915.4(GRHL2):c.1105A>G (p.Ile369Val)

Gene: GRHL2 (grainyhead like transcription factor 2; plus strand). Cytogenetic location: 8q22.3.
Variant type: single nucleotide variant.
Coding change: c.1105A>G on transcript NM_024915.4 (MANE Select); coding-DNA position 1105, A replaced by G.
Protein change: p.Ile369Val; replaces isoleucine 369 with valine.
Molecular consequence: missense variant.
Genome position (GRCh38, 1-based): chr8:101,619,545, A>G. VCF-style: chr8-101619545-A-G. GRCh37 (hg19) VCF-style: chr8-102631773-A-G.
Other names: c.1057A>G, p.Ile353Val (NM_001330593.2); c.1105A>G (NM_024915.3); short protein forms I353V, I369V.
Identifiers: ClinVar variation 2803076 (VCV002803076.4), dbSNP rs745932717, ClinGen allele CA4830492.

ClinVar aggregate classification (germline): Uncertain significance. Review status: criteria provided, multiple submitters, no conflicts (2 of 4 stars). 2 submissions from 2 submitters: Uncertain significance (2). Last evaluated 2025-09-25.

Conditions:
Inborn genetic diseases. Identifiers: MedGen C0950123, MeSH D030342.

Allele frequency attached by ClinVar (database versions not stated): gnomAD 0.00001; gnomAD exomes 0.00001; ExAC 0.00002; TOPMed 0.00002.
gnomAD v4.1: 14 of 1,613,556 alleles (0.00087%); highest among the groups gnomAD compares: African/African-American, 0.0013%; no homozygotes.

Submissions (2):

Ambry Genetics
Classification: Uncertain significance for Inborn genetic diseases. Last evaluated: 2025-09-25. Review status: criteria provided, single submitter. Criteria: Ambry Variant Classification Scheme 2023. Collection method: clinical testing. Allele origin: germline.

Labcorp Genetics (formerly Invitae), Labcorp
Classification: Uncertain significance. Last evaluated: 2023-06-14. Review status: criteria provided, single submitter. Criteria: Invitae Variant Classification Sherloc (09022015). Collection method: clinical testing. Allele origin: germline.
Comment: In summary, the available evidence is currently insufficient to determine the role of this variant in disease. Therefore, it has been classified as a Variant of Uncertain Significance. Advanced modeling of protein sequence and biophysical properties (such as structural, functional, and spatial information, amino acid conservation, physicochemical variation, residue mobility, and thermodynamic stability) performed at Invitae indicates that this missense variant is not expected to disrupt GRHL2 protein function. This variant has not been reported in the literature in individuals affected with GRHL2-related conditions. This variant is present in population databases (rs745932717, gnomAD 0.007%). This sequence change replaces isoleucine, which is neutral and non-polar, with valine, which is neutral and non-polar, at codon 369 of the GRHL2 protein (p.Ile369Val).